The following is an entry in ClinVar:

NM_000261.2(MYOC):c.814C>G (p.Arg272Gly)

Gene: MYOC (myocilin; minus strand). Cytogenetic location: 1q24.3.
Variant type: single nucleotide variant.
Coding change: c.814C>G on transcript NM_000261.2 (MANE Select); coding-DNA position 814, C replaced by G.
Protein change: p.Arg272Gly; replaces arginine 272 with glycine.
Molecular consequence: missense variant.
Genome position (GRCh38, 1-based): chr1:171,636,626, G>C on the plus strand (C>G on the coding strand, the complement: MYOC is on the minus strand). VCF-style: chr1-171636626-G-C. GRCh37 (hg19) VCF-style: chr1-171605766-G-C.
Other names: NM_000261.2:c.814C>G; c.814C>G (NM_000261.1); short protein forms R272G.
Identifiers: ClinVar variation 1686788 (VCV001686788.7), dbSNP rs202176570, ClinGen allele CA343726016.

ClinVar aggregate classification (germline): Likely pathogenic. Review status: reviewed by expert panel (3 of 4 stars). 3 submissions from 3 submitters: Likely pathogenic (1). 2 of the submissions do not count toward it. Last evaluated 2026-02-18.

Conditions:
Open-angle glaucoma. Identifiers: MedGen C0017612, MONDO:0005338, HP:0012108.

gnomAD v4.1: 1 of 1,611,864 alleles (0.000062%); highest among the groups gnomAD compares: Non-Finnish European, 0.000085%; no homozygotes.

Submissions (3):

ClinGen Glaucoma Variant Curation Expert Panel
Classification: Likely pathogenic for Open-angle glaucoma. Last evaluated: 2026-02-18. Review status: reviewed by expert panel. Criteria: ClinGen Glaucoma ACMG Specifications V2.0.0 Approved. Collection method: curation. Allele origin: germline. Inheritance: Autosomal dominant inheritance.
Comment: The c.814C>G variant in MYOC is a missense variant predicted to cause substitution of Arginine by Glycine at amino acid 272 (p.Arg272Gly). The highest minor allele frequency of this variant was in the European (non-Finnish) genetic ancestry group of gnomAD (v4.1.0) = 0.0000008477 (1 allele out of 1,179,726), which met the ≤ 0.0001 threshold set for PM2_Supporting in a genetic ancestry group of at least 10,000 alleles. The REVEL score = 0.743, which was within the 0.644-0.772 range for PP3, predicting a damaging effect on MYOC function. The Arg272Gly protein had increased instability levels compared to wild type myocilin protein in these studies (PMIDs: 21612213, 23129764). The assays met the OddsPath threshold for PS3_Moderate (> 4.3), indicating that this variant did impact protein function. This protein has also been assessed in these other studies (PMIDs: 11004290, 16297911), however, the same level of evidence was not met. 5 segregations in 1 family, with juvenile open angle glaucoma (JOAG), have been reported (PMID: 11004290), which fulfilled PP1_Moderate (5-6 meioses). Only 1 proband with JOAG had been reported (PMID: 11004290), not meeting the ≥ 2 probands threshold required to meet PS4_Supporting. In summary, this variant met the criteria to receive a score of 6 and to be classified as likely pathogenic (likely pathogenic classification range 6 to 9, adapted from PMID: 32720330) for juvenile open angle glaucoma based on the ACMG/AMP criteria met, as specified by the ClinGen Glaucoma VCEP (v2.0.0, 5 Dec 2024): PS3_Moderate, PP1_Moderate, PP3, PM2_Supporting.

GeneDx
Classification: Likely pathogenic. Last evaluated: 2026-04-14. Review status: criteria provided, single submitter. Criteria: GeneDx Variant Classification Process June 2021. Collection method: clinical testing. Allele origin: germline. Not counted in ClinVar's aggregate classification.
Comment: Published functional studies demonstrate a damaging effect [p.(R272G) had increased instability levels compared to wild type myocilin protein and impaired thermal stability] (PMID: 21612213, 23129764); Identified in a proband with juvenile-onset primary open-angle glaucoma and found in multiple affected relatives with mixed-onset primary open-angle glaucoma (PMID: 11004290); Not observed at significant frequency in large population cohorts (gnomAD); In silico analysis supports that this missense variant has a deleterious effect on protein structure/function; This variant is associated with the following publications: (PMID: 16297911, 25524706, 23129764, 11004290, 21612213, 36217948, 34082484)

Labcorp Genetics (formerly Invitae), Labcorp
Classification: Uncertain significance. Last evaluated: 2024-06-04. Review status: criteria provided, single submitter. Criteria: Invitae Variant Classification Sherloc (09022015). Collection method: clinical testing. Allele origin: germline. Not counted in ClinVar's aggregate classification.
Comment: This sequence change replaces arginine, which is basic and polar, with glycine, which is neutral and non-polar, at codon 272 of the MYOC protein (p.Arg272Gly). This variant is not present in population databases (gnomAD no frequency). This missense change has been observed in individual(s) with primary open-angle glaucoma (PMID: 11004290). It has also been observed to segregate with disease in related individuals. ClinVar contains an entry for this variant (Variation ID: 1686788). An algorithm developed to predict the effect of missense changes on protein structure and function (PolyPhen-2) suggests that this variant is likely to be disruptive. In summary, the available evidence is currently insufficient to determine the role of this variant in disease. Therefore, it has been classified as a Variant of Uncertain Significance.

Literature cited by the submitters: PubMed 11004290 (cited by ClinGen Glaucoma Variant Curation Expert Panel and Labcorp Genetics (formerly Invitae), Labcorp); PubMed 21612213 (cited by ClinGen Glaucoma Variant Curation Expert Panel); PubMed 23129764 (cited by ClinGen Glaucoma Variant Curation Expert Panel); PubMed 25524706 (cited by ClinGen Glaucoma Variant Curation Expert Panel).